The following is an entry in ClinVar:

ClinVar aggregate classification (germline): Uncertain significance (1 of 4 stars; one submission).

Submission:

Labcorp Genetics (formerly Invitae), Labcorp
Classification: Uncertain significance. Last evaluated: 2025-03-28. Review status: criteria provided, single submitter. Criteria: Invitae Variant Classification Sherloc (09022015). Collection method: clinical testing. Allele origin: germline.
Comment: This sequence change replaces valine, which is neutral and non-polar, with phenylalanine, which is neutral and non-polar, at codon 473 of the ROBO1 protein (p.Val473Phe). This variant is not present in population databases (gnomAD no frequency). This variant has not been reported in the literature in individuals affected with ROBO1-related conditions. Invitae Evidence Modeling of protein sequence and biophysical properties (such as structural, functional, and spatial information, amino acid conservation, physicochemical variation, residue mobility, and thermodynamic stability) indicates that this missense variant is not expected to disrupt ROBO1 protein function with a negative predictive value of 95%. In summary, the available evidence is currently insufficient to determine the role of this variant in disease. Therefore, it has been classified as a Variant of Uncertain Significance.

NM_002941.4(ROBO1):c.1417G>T (p.Val473Phe)

Gene: ROBO1 (roundabout guidance receptor 1; minus strand). Cytogenetic location: 3p12.3.
Variant type: single nucleotide variant.
Coding change: c.1417G>T on transcript NM_002941.4 (MANE Select); coding-DNA position 1417, G replaced by T.
Protein change: p.Val473Phe; replaces valine 473 with phenylalanine.
Molecular consequence: missense variant.
Genome position (GRCh38, 1-based): chr3:78,670,227, C>A on the plus strand (G>T on the coding strand, the complement: ROBO1 is on the minus strand). VCF-style: chr3-78670227-C-A. GRCh37 (hg19) VCF-style: chr3-78719377-C-A.
Other names: c.1309G>T, p.Val437Phe (NM_001145845.2, NM_133631.4); short protein forms V473F, V437F.
Identifiers: ClinVar variation 4769596 (VCV004769596.1).